The following is an entry in ClinVar:

NM_016292.3(TRAP1):c.748G>A (p.Gly250Arg)

Gene: TRAP1 (TNF receptor associated protein 1; minus strand). Cytogenetic location: 16p13.3.
Variant type: single nucleotide variant.
Coding change: c.748G>A on transcript NM_016292.3 (MANE Select); coding-DNA position 748, G replaced by A.
Protein change: p.Gly250Arg; replaces glycine 250 with arginine.
Molecular consequence: missense variant.
Genome position (GRCh38, 1-based): chr16:3,676,102, C>T on the plus strand (G>A on the coding strand, the complement: TRAP1 is on the minus strand). VCF-style: chr16-3676102-C-T. GRCh37 (hg19) VCF-style: chr16-3726103-C-T.
Other names: c.589G>A, p.Gly197Arg (NM_001272049.2); short protein forms G197R, G250R.
Identifiers: ClinVar variation 2895249 (VCV002895249.3), dbSNP rs756634375, ClinGen allele CA7868512.
Genomic context (GRCh38, chr16:3,676,102, plus strand): 5'-CCCGGGCCTCGCTGGAAAACTCCTTGCAGTCGGATTTCAGGTGGATGATGATTTTTGTCC[C>T]GGTTCTAACTCCCGAAGCTTCGGCGATTTCAAACACTCCAGAACTAAGGCAGGCAAAGAA-3'
Protein context (NP_057376.2, residues 240-260): EIAEASGVRT[Gly250Arg]TKIIIHLKSD

ClinVar aggregate classification (germline): Uncertain significance (1 of 4 stars; one submission).

Allele frequency attached by ClinVar (database versions not stated): ExAC 0.00002; gnomAD 0.00002; TOPMed 0.00002; gnomAD exomes 0.00002.

Submission:

Labcorp Genetics (formerly Invitae), Labcorp
Classification: Uncertain significance. Last evaluated: 2025-07-04. Review status: criteria provided, single submitter. Criteria: Invitae Variant Classification Sherloc (09022015). Collection method: clinical testing. Allele origin: germline.
Comment: This sequence change replaces glycine, which is neutral and non-polar, with arginine, which is basic and polar, at codon 250 of the TRAP1 protein (p.Gly250Arg). This variant is present in population databases (rs756634375, gnomAD 0.009%). This variant has not been reported in the literature in individuals affected with TRAP1-related conditions. ClinVar contains an entry for this variant (Variation ID: 2895249). Invitae Evidence Modeling of protein sequence and biophysical properties (such as structural, functional, and spatial information, amino acid conservation, physicochemical variation, residue mobility, and thermodynamic stability) indicates that this missense variant is expected to disrupt TRAP1 protein function with a positive predictive value of 80%. In summary, the available evidence is currently insufficient to determine the role of this variant in disease. Therefore, it has been classified as a Variant of Uncertain Significance.